The following is an entry in ClinVar:

ClinVar aggregate classification (germline): Pathogenic (1 of 4 stars; one submission).

Conditions:
Giant axonal neuropathy 1 (GAN1). Also called: GIANT AXONAL NEUROPATHY 1, AUTOSOMAL RECESSIVE; GAN-Related Neurodegeneration. Identifiers: Orphanet 643, MedGen C1850386, MONDO:0009749, OMIM 256850.

Submission:

Labcorp Genetics (formerly Invitae), Labcorp
Classification: Pathogenic for Giant axonal neuropathy 1. Last evaluated: 2025-01-20. Review status: criteria provided, single submitter. Criteria: Invitae Variant Classification Sherloc (09022015). Collection method: clinical testing. Allele origin: germline.
Comment: This sequence change creates a premature translational stop signal (p.Lys246Argfs*3) in the GAN gene. It is expected to result in an absent or disrupted protein product. Loss-of-function variants in GAN are known to be pathogenic (PMID: 12655563, 14718689, 23890932). This variant is not present in population databases (gnomAD no frequency). This variant has not been reported in the literature in individuals affected with GAN-related conditions. For these reasons, this variant has been classified as Pathogenic.

Literature cited by the submitters: PubMed 12655563; PubMed 14718689; PubMed 23890932.

NM_022041.4(GAN):c.737_738del (p.Lys246fs)

Gene: GAN (gigaxonin; plus strand). Cytogenetic location: 16q23.2.
Variant type: Deletion.
Coding change: c.737_738del on transcript NM_022041.4 (MANE Select); coding-DNA positions 737 to 738, 2 bases deleted (AA; older notation c.737_738delAA).
Protein change: p.Lys246fs; shifts the reading frame from lysine 246.
Molecular consequence: frameshift variant.
Genome position (GRCh38, 1-based): chr16:81,356,888-81,356,889, AA deleted; deleting any 2 consecutive bases within chr16:81,356,887-81,356,889 gives the same sequence; the c. name uses the placement nearest the transcript's 3' end. VCF-style (leftmost placement, unchanged base first): chr16-81356886-CAA-C. GRCh37 (hg19) VCF-style: chr16-81390491-CAA-C.
Other names: c.98_99del, p.Lys33fs (NM_001377486.1); short protein forms K246fs, K33fs.
Identifiers: ClinVar variation 3729264 (VCV003729264.2).
Genomic context (GRCh38, chr16:81,356,886, plus strand): 5'-GTTGGACTCCAGTTATTTACGGGAACAGATGCTGAATGAACCATTAGTACGAGAAATTGT[CAA>C]AGAGTGTAGCAATATACCGCTCAGCCAGCCGCAGCAAGGGGAGGCGATGCTGGCCAACTT-3'